The following is an entry in ClinVar:

NM_152564.5(VPS13B):c.9943G>A (p.Val3315Ile)

Gene: VPS13B (vacuolar protein sorting 13 homolog B; plus strand). Cytogenetic location: 8q22.2.
Variant type: single nucleotide variant.
Coding change: c.9943G>A on transcript NM_152564.5 (MANE Select); coding-DNA position 9943, G replaced by A.
Protein change: p.Val3315Ile; replaces valine 3315 with isoleucine.
Molecular consequence: missense variant.
Genome position (GRCh38, 1-based): chr8:99,848,776, G>A. VCF-style: chr8-99848776-G-A. GRCh37 (hg19) VCF-style: chr8-100861004-G-A.
Other names: p.Val3340Ile; c.10018G>A, p.Val3340Ile (NM_017890.5); c.9943G>A (NM_152564.4); short protein forms V3315I, V3340I.
Identifiers: ClinVar variation 130716 (VCV000130716.32), dbSNP rs116746734, ClinGen allele CA248710.

ClinVar aggregate classification (germline): Benign. Review status: criteria provided, multiple submitters, no conflicts (2 of 4 stars). 12 submissions from 12 submitters: Benign (10). 2 of the submissions do not count toward it. Last evaluated 2026-01-29.

Conditions:
VPS13B-related disorder. Also called: VPS13B-related condition.
Inborn genetic diseases. Identifiers: MedGen C0950123, MeSH D030342.
Cohen syndrome (COH1). Also called: Cutis verticis gyrata, retinitis pigmentosa, and sensorineural deafness; PEPPER SYNDROME. Identifiers: Orphanet 193, MedGen C0265223, MONDO:0008999, OMIM 216550.

Allele frequency attached by ClinVar (database versions not stated): gnomAD exomes 0.00066 and 0.00161; ExAC 0.00210; gnomAD 0.00648 and 0.00699; TOPMed 0.00727; 1000 Genomes Project 0.00739; ESP Exome Variant Server 0.00800; 1000 Genomes Project 30x 0.00812.
gnomAD v4.1: 1,975 of 1,613,758 alleles (0.12%); highest among the groups gnomAD compares: African/African-American, 2.4%; 24 homozygotes.

Submissions (12):

Women's Health and Genetics/Laboratory Corporation of America, LabCorp
Classification: Benign. Last evaluated: 2026-01-29. Review status: criteria provided, single submitter. Criteria: LabCorp Variant Classification Summary - May 2015. Collection method: clinical testing. Allele origin: germline.
Comment: Variant summary: VPS13B c.10018G>A (p.Val3340Ile) results in a conservative amino acid change in the encoded protein sequence. Algorithms developed to predict the effect of missense changes on protein structure and function are either unavailable or do not agree on the potential impact of this missense change. Consensus agreement among computation tools predict no significant impact on normal splicing. However, these predictions have yet to be confirmed by functional studies. The variant allele was found at a frequency of 0.0016 in 251420 control chromosomes, predominantly at a frequency of 0.023 within the African or African-American subpopulation in the gnomAD database, including 5 homozygotes. The observed variant frequency within African or African-American control individuals in the gnomAD database exceeds the estimated maximal expected allele frequency for disease-causing variants in VPS13B. To our knowledge, no occurrence of c.10018G>A in individuals affected with VPS13B-related conditions and no experimental evidence demonstrating its impact on protein function have been reported. ClinVar contains an entry for this variant (Variation ID: 130716). Based on the evidence outlined above, the variant was classified as benign.

Labcorp Genetics (formerly Invitae), Labcorp
Classification: Benign for Cohen syndrome. Last evaluated: 2026-01-28. Review status: criteria provided, single submitter. Criteria: Invitae Variant Classification Sherloc (09022015). Collection method: clinical testing. Allele origin: germline.

Athena Diagnostics
Classification: Benign. Last evaluated: 2024-11-25. Review status: criteria provided, single submitter. Criteria: Athena Diagnostics Criteria. Collection method: clinical testing. Allele origin: unknown.

Mayo Clinic Laboratories, Mayo Clinic
Classification: Benign. Last evaluated: 2020-09-01. Review status: criteria provided, single submitter. Criteria: ACMG Guidelines, 2015. Collection method: clinical testing. Allele origin: germline. Observed: 8 variant alleles.

GeneDx
Classification: Benign. Last evaluated: 2020-03-27. Review status: criteria provided, single submitter. Criteria: GeneDx Variant Classification Process June 2021. Collection method: clinical testing. Allele origin: germline. Affected: yes.

Illumina Laboratory Services, Illumina
Classification: Benign for Cohen syndrome. Last evaluated: 2018-01-12. Review status: criteria provided, single submitter. Criteria: ICSL Variant Classification Criteria 13 December 2019. Collection method: clinical testing. Allele origin: germline.
Comment: This variant was observed in the ICSL laboratory as part of a predisposition screen in an ostensibly healthy population. It had not been previously curated by ICSL or reported in the Human Gene Mutation Database (HGMD: prior to June 1st, 2018), and was therefore a candidate for classification through an automated scoring system. Utilizing variant allele frequency, disease prevalence and penetrance estimates, and inheritance mode, an automated score was calculated to assess if this variant is too frequent to cause the disease. Based on the score and internal cut-off values, a variant classified as benign is not then subjected to further curation. The score for this variant resulted in a classification of benign for this disease.

Ambry Genetics
Classification: Benign for Inborn genetic diseases. Last evaluated: 2016-06-06. Review status: criteria provided, single submitter. Criteria: Ambry Variant Classification Scheme 2023. Collection method: clinical testing. Allele origin: germline.

Genetic Services Laboratory, University of Chicago
Classification: Benign. Last evaluated: 2016-04-22. Review status: criteria provided, single submitter. Criteria: ACMG Guidelines, 2015. Collection method: clinical testing. Allele origin: germline. Affected: no.

Genomic Diagnostic Laboratory, Division of Genomic Diagnostics, Children's Hospital of Philadelphia
Classification: Benign. Last evaluated: 2015-03-06. Review status: criteria provided, single submitter. Criteria: DGD Variant Analysis Guidelines. Collection method: clinical testing. Allele origin: unknown.

Breakthrough Genomics
Classification: Benign. Review status: criteria provided, single submitter. Criteria: ACMG Guidelines, 2015. Collection method: not provided. Allele origin: germline. Inheritance: Autosomal recessive inheritance. Affected: yes.

PreventionGenetics, part of Exact Sciences
Classification: Benign for VPS13B-related condition. Last evaluated: 2021-02-02. Review status: no assertion criteria provided. Collection method: clinical testing. Allele origin: germline. Not counted in ClinVar's aggregate classification.
Comment: This variant is classified as benign based on ACMG/AMP sequence variant interpretation guidelines (Richards et al. 2015 PMID: 25741868, with internal and published modifications).

Natera, Inc.
Classification: Benign for Cohen syndrome. Last evaluated: 2019-11-11. Review status: no assertion criteria provided. Collection method: clinical testing. Allele origin: germline. Not counted in ClinVar's aggregate classification.